The following is an entry in ClinVar:

NM_014208.3(DSPP):c.3480T>C (p.Ser1160=)

Genes: DMP1-AS1 (DMP1 and DSPP antisense RNA 1; minus strand), DSPP (dentin sialophosphoprotein; plus strand). Cytogenetic location: 4q22.1.
Variant type: single nucleotide variant.
Coding change: c.3480T>C on transcript NM_014208.3 (MANE Select); coding-DNA position 3480, T replaced by C.
Protein change: p.Ser1160=; no amino-acid change (serine 1160 retained).
Molecular consequence: synonymous variant.
Genome position (GRCh38, 1-based): chr4:87,616,142, T>C. VCF-style: chr4-87616142-T-C. GRCh37 (hg19) VCF-style: chr4-88537294-T-C.
Identifiers: ClinVar variation 2654921 (VCV002654921.26), dbSNP rs111216206, ClinGen allele CA3001730.

ClinVar aggregate classification (germline): Likely benign. Review status: criteria provided, multiple submitters, no conflicts (2 of 4 stars). 3 submissions from 3 submitters: Likely benign (3). Last evaluated 2026-09-01.

Conditions:
Inborn genetic diseases. Identifiers: MedGen C0950123, MeSH D030342.

Allele frequency attached by ClinVar (database versions not stated): 1000 Genomes Project 30x 0.00062; gnomAD exomes 0.00069; gnomAD 0.00092.

Submissions (3):

CeGaT Center for Human Genetics Tuebingen
Classification: Likely benign. Last evaluated: 2026-09-01. Review status: criteria provided, single submitter. Criteria: CeGaT Center For Human Genetics Tuebingen Variant Classification Criteria Version 2. Collection method: clinical testing. Allele origin: germline. Affected: yes. Observed: 18 variant alleles.
Comment: DSPP: BP4, BP7, BS2

Blueprint Genetics
Classification: Likely benign. Last evaluated: 2024-10-16. Review status: criteria provided, single submitter. Criteria: ACMG Guidelines, 2015. Collection method: clinical testing. Allele origin: germline.

Ambry Genetics
Classification: Likely benign for Inborn genetic diseases. Last evaluated: 2024-06-11. Review status: criteria provided, single submitter. Criteria: Ambry Variant Classification Scheme 2023. Collection method: clinical testing. Allele origin: germline.